The following is an entry in ClinVar:

ClinVar aggregate classification (germline): Uncertain significance (1 of 4 stars; one submission).

Conditions:
Multiple endocrine neoplasia, type 2 (MEN2). Identifiers: Orphanet 653, MedGen C4048306, MONDO:0019003. Disease mechanism: gain of function.

Submission:

Labcorp Genetics (formerly Invitae), Labcorp
Classification: Uncertain significance for Multiple endocrine neoplasia, type 2. Last evaluated: 2021-10-07. Review status: criteria provided, single submitter. Criteria: Invitae Variant Classification Sherloc (09022015). Collection method: clinical testing. Allele origin: germline.
Comment: In summary, the available evidence is currently insufficient to determine the role of this variant in disease. Therefore, it has been classified as a Variant of Uncertain Significance. Algorithms developed to predict the effect of missense changes on protein structure and function (SIFT, PolyPhen-2, Align-GVGD) all suggest that this variant is likely to be tolerated. This variant has not been reported in the literature in individuals affected with RET-related conditions. This variant is not present in population databases (ExAC no frequency). This sequence change replaces glutamic acid with aspartic acid at codon 762 of the RET protein (p.Glu762Asp). The glutamic acid residue is highly conserved and there is a small physicochemical difference between glutamic acid and aspartic acid.

NM_020975.6(RET):c.2286G>T (p.Glu762Asp)

Gene: RET (ret proto-oncogene; plus strand). Cytogenetic location: 10q11.21.
Variant type: single nucleotide variant.
Coding change: c.2286G>T on transcript NM_020975.6 (MANE Select); coding-DNA position 2286, G replaced by T.
Protein change: p.Glu762Asp; replaces glutamic acid 762 with aspartic acid.
Molecular consequence: missense variant.
Genome position (GRCh38, 1-based): chr10:43,118,374, G>T. VCF-style: chr10-43118374-G-T. GRCh37 (hg19) VCF-style: chr10-43613822-G-T.
Other names: c.1998G>T, p.Glu666Asp (NM_001406766.1, NM_001406767.1, NM_001406770.1); c.2022G>T, p.Glu674Asp (NM_001406768.1); c.1890G>T, p.Glu630Asp (NM_001406769.1, NM_001406772.1); c.1848G>T, p.Glu616Asp (NM_001406771.1, NM_001406773.1); c.1761G>T, p.Glu587Asp (NM_001406774.1); c.1560G>T, p.Glu520Asp (NM_001406775.1, NM_001406776.1, NM_001406777.1 and 1 more transcripts); c.1269G>T, p.Glu423Asp (NM_001406785.1); c.1260G>T, p.Glu420Asp (NM_001406786.1, NM_001406783.1); and 10 more; short protein forms E508D, E762D, E367D, E420D, E520D, E719D, E279D, E717D.
Identifiers: ClinVar variation 1509387 (VCV001509387.7), dbSNP rs1323183090, ClinGen allele CA376555523.